The following is an entry in ClinVar:

NM_000548.5(TSC2):c.324C>T (p.Ile108=)

Gene: TSC2 (TSC complex subunit 2; plus strand). Cytogenetic location: 16p13.3.
Variant type: single nucleotide variant.
Coding change: c.324C>T on transcript NM_000548.5 (MANE Select); coding-DNA position 324, C replaced by T.
Protein change: p.Ile108=; no amino-acid change (isoleucine 108 retained).
Molecular consequence: synonymous variant. On other transcripts: intron variant (2).
Genome position (GRCh38, 1-based): chr16:2,053,440, C>T. VCF-style: chr16-2053440-C-T. GRCh37 (hg19) VCF-style: chr16-2103441-C-T.
Other names: c.324C>T, p.Ile108= (NM_001077183.3, NM_001114382.3, NM_001363528.2 and 3 more transcripts); c.177C>T, p.Ile59= (NM_001318829.2); c.357C>T, p.Ile119= (NM_001318832.2); c.226-856C>T (NM_001318827.2); c.-1-2756C>T (NM_001318831.2).
Identifiers: ClinVar variation 413748 (VCV000413748.22), dbSNP rs973500815, ClinGen allele CA16614687.
Genomic context (GRCh38, chr16:2,053,440, plus strand): 5'-GTTGCAGCCGGAGCGGCCGCTGGAGGCCCGGCACGCGGTGCTGGCTCTGCTGAAGGCCAT[C>T]GTGCAGGGGCAGGTAAGGCCCAGGGCGACGCTGGGATGGGTGACGTCAGGCTGCCCACTG-3'
Protein context (NP_000539.2, residues 98-118): RHAVLALLKA[Ile108=]VQGQGERLGV

ClinVar aggregate classification (germline): Benign/Likely benign. Review status: criteria provided, multiple submitters, no conflicts (2 of 4 stars). 8 submissions from 8 submitters: Benign (2); Likely benign (6). Last evaluated 2026-02-04.

Conditions:
Hereditary cancer-predisposing syndrome. Also called: Neoplastic Syndromes, Hereditary; Tumor predisposition; Hereditary Cancer Syndrome; Hereditary neoplastic syndrome. Identifiers: Orphanet 140162, MedGen C0027672, MeSH D009386, MONDO:0015356.
Tuberous sclerosis syndrome (TSC). Also called: Tuberous Sclerosis Complex; Tuberous sclerosis. Identifiers: Orphanet 805, MedGen C0041341, MONDO:0001734.
Tuberous sclerosis 2 (TSC2). Identifiers: Orphanet 805, MedGen C1860707, MONDO:0013199, OMIM 613254.

Allele frequency attached by ClinVar (database versions not stated): gnomAD 0.00001; TOPMed 0.00002; gnomAD exomes 0.00003.
gnomAD v4.1: 38 of 1,574,914 alleles (0.0024%); highest among the groups gnomAD compares: Non-Finnish European, 0.0029%; no homozygotes.

Submissions (8):

Labcorp Genetics (formerly Invitae), Labcorp
Classification: Likely benign for Tuberous sclerosis 2. Last evaluated: 2026-02-04. Review status: criteria provided, single submitter. Criteria: Invitae Variant Classification Sherloc (09022015). Collection method: clinical testing. Allele origin: germline.

Myriad Genetics, Inc.
Classification: Benign for Tuberous sclerosis 2. Last evaluated: 2025-05-02. Review status: criteria provided, single submitter. Criteria: Myriad Autosomal Dominant, Autosomal Recessive and X-Linked Classification Criteria (2023). Collection method: clinical testing. Allele origin: unknown.
Comment: This variant is considered benign. This variant is a silent/synonymous amino acid change and it is not expected to impact splicing.

Color Diagnostics, LLC DBA Color Health
Classification: Likely benign for Tuberous sclerosis syndrome. Last evaluated: 2024-03-19. Review status: criteria provided, single submitter. Criteria: ACMG Guidelines, 2015. Collection method: clinical testing. Allele origin: germline.

Blueprint Genetics
Classification: Likely benign. Last evaluated: 2024-02-15. Review status: criteria provided, single submitter. Criteria: ACMG Guidelines, 2015. Collection method: clinical testing. Allele origin: germline.

Ambry Genetics
Classification: Likely benign for Hereditary cancer-predisposing syndrome. Last evaluated: 2023-10-30. Review status: criteria provided, single submitter. Criteria: Ambry Variant Classification Scheme 2023. Collection method: clinical testing. Allele origin: germline.

Genome-Nilou Lab
Classification: Benign for Tuberous sclerosis 2. Last evaluated: 2021-11-07. Review status: criteria provided, single submitter. Criteria: ACMG Guidelines, 2015. Collection method: clinical testing. Allele origin: germline. Affected: no.

Sema4
Classification: Likely benign for Hereditary cancer-predisposing syndrome. Last evaluated: 2021-10-25. Review status: criteria provided, single submitter. Criteria: Sema4 Curation Guidelines. Collection method: curation. Allele origin: germline.

GeneDx
Classification: Likely benign. Last evaluated: 2021-05-20. Review status: criteria provided, single submitter. Criteria: GeneDx Variant Classification Process June 2021. Collection method: clinical testing. Allele origin: germline. Affected: yes.